The following is an entry in ClinVar:

ClinVar aggregate classification (germline): Uncertain significance. Review status: criteria provided, multiple submitters, no conflicts (2 of 4 stars). 4 submissions from 4 submitters: Uncertain significance (4). Last evaluated 2022-12-09.

Conditions:
Autosomal recessive ataxia, Beauce type. Also called: Spinocerebellar ataxia, autosomal recessive 8; ATAXIA, RECESSIVE, OF BEAUCE; SYNE1 Deficiency; SYNE1-Related Autosomal Recessive Cerebellar Ataxia. Identifiers: Orphanet 88644, MedGen C1853116, MONDO:0012549, OMIM 610743.
Emery-Dreifuss muscular dystrophy 4, autosomal dominant (EDMD4). Also called: EMERY-DREIFUSS MUSCULAR DYSTROPHY 4 WITH VARIABLE FEATURES. Identifiers: Orphanet 261, MedGen C2751807, MONDO:0013071, OMIM 612998.

Allele frequency attached by ClinVar (database versions not stated): TOPMed 0.00001; gnomAD 0.00003; ExAC 0.00004; gnomAD exomes 0.00004.
gnomAD v4.1: 63 of 1,613,648 alleles (0.0039%); highest among the groups gnomAD compares: Non-Finnish European, 0.005%; no homozygotes.

Submissions (4):

Revvity Omics, Revvity
Classification: Uncertain significance. Last evaluated: 2022-12-09. Review status: criteria provided, single submitter. Criteria: ACMG Guidelines, 2015. Collection method: clinical testing. Allele origin: germline.

Labcorp Genetics (formerly Invitae), Labcorp
Classification: Uncertain significance for Emery-Dreifuss muscular dystrophy 4, autosomal dominant; Autosomal recessive ataxia, Beauce type. Last evaluated: 2022-06-27. Review status: criteria provided, single submitter. Criteria: Invitae Variant Classification Sherloc (09022015). Collection method: clinical testing. Allele origin: germline.
Comment: This sequence change replaces arginine, which is basic and polar, with histidine, which is basic and polar, at codon 684 of the SYNE1 protein (p.Arg684His). This variant is present in population databases (rs767684007, gnomAD 0.006%). This variant has not been reported in the literature in individuals affected with SYNE1-related conditions. ClinVar contains an entry for this variant (Variation ID: 288858). Algorithms developed to predict the effect of missense changes on protein structure and function are either unavailable or do not agree on the potential impact of this missense change (SIFT: "Deleterious"; PolyPhen-2: "Possibly Damaging"; Align-GVGD: "Class C0"). In summary, the available evidence is currently insufficient to determine the role of this variant in disease. Therefore, it has been classified as a Variant of Uncertain Significance.

GeneDx
Classification: Uncertain significance. Last evaluated: 2019-11-08. Review status: criteria provided, single submitter. Criteria: GeneDx Variant Classification Process June 2021. Collection method: clinical testing. Allele origin: germline. Affected: yes.
Comment: In silico analysis, which includes protein predictors and evolutionary conservation, supports a deleterious effect; Has not been previously published as pathogenic or benign to our knowledge

Eurofins Ntd Llc (ga)
Classification: Uncertain significance. Last evaluated: 2016-06-19. Review status: criteria provided, single submitter. Criteria: EGL Classification Definitions 2015. Collection method: clinical testing. Allele origin: germline. Observed: 1 variant allele, 1 heterozygote.

NM_182961.4(SYNE1):c.2030G>A (p.Arg677His)

Gene: SYNE1 (spectrin repeat containing nuclear envelope protein 1; minus strand). Cytogenetic location: 6q25.2.
Variant type: single nucleotide variant.
Coding change: c.2030G>A on transcript NM_182961.4 (MANE Select); coding-DNA position 2030, G replaced by A.
Protein change: p.Arg677His; replaces arginine 677 with histidine.
Molecular consequence: missense variant.
Genome position (GRCh38, 1-based): chr6:152,463,420, C>T on the plus strand (G>A on the coding strand, the complement: SYNE1 is on the minus strand). VCF-style: chr6-152463420-C-T. GRCh37 (hg19) VCF-style: chr6-152784555-C-T.
Other names: c.2051G>A, p.Arg684His (NM_033071.5); short protein forms R684H, R677H.
Identifiers: ClinVar variation 288858 (VCV000288858.14), dbSNP rs767684007, ClinGen allele CA4059249.
Genomic context (GRCh38, chr6:152,463,420, plus strand): 5'-ACTTCCATAAACAACTCCCTCCACCGCCCATTTAGCAACAGTAATTGCTGCTTCAGGTCA[C>T]GGGAAACCATCTCATCACAGGTTTCAATTAGAAAATTGCCAGCATCGTTCATGGCAGTAT-3'
Protein context (NP_892006.3, residues 667-687): LIETCDEMVS[Arg677His]DLKQQLLLLN